The following is an entry in ClinVar:

ClinVar aggregate classification (germline): Pathogenic (1 of 4 stars; one submission).

Conditions:
Tuberous sclerosis 2 (TSC2). Identifiers: Orphanet 805, MedGen C1860707, MONDO:0013199, OMIM 613254.

Submission:

Labcorp Genetics (formerly Invitae), Labcorp
Classification: Pathogenic for Tuberous sclerosis 2. Last evaluated: 2020-06-27. Review status: criteria provided, single submitter. Criteria: Invitae Variant Classification Sherloc (09022015). Collection method: clinical testing. Allele origin: germline.
Comment: Loss-of-function variants in TSC2 are known to be pathogenic (PMID: 10205261, 17304050). This sequence change creates a premature translational stop signal (p.Asp1586Thrfs*39) in the TSC2 gene. It is expected to result in an absent or disrupted protein product. This variant is not present in population databases (ExAC no frequency). This variant has not been reported in the literature in individuals with TSC2-related conditions. For these reasons, this variant has been classified as Pathogenic.

Literature cited by the submitters: PubMed 10205261; PubMed 17304050.

NM_000548.5(TSC2):c.4756del (p.Asp1586fs)

Gene: TSC2 (TSC complex subunit 2; plus strand). Cytogenetic location: 16p13.3.
Variant type: Deletion.
Coding change: c.4756del on transcript NM_000548.5 (MANE Select); coding-DNA position 4756, one base deleted (G; older notation c.4756delG).
Protein change: p.Asp1586fs; shifts the reading frame from aspartic acid 1586.
Molecular consequence: frameshift variant.
Genome position (GRCh38, 1-based): chr16:2,086,286, G deleted; the last of 2 consecutive G bases (chr16:2,086,285-2,086,286); deleting either gives the same sequence. VCF-style (leftmost placement, unchanged base first): chr16-2086284-AG-A. GRCh37 (hg19) VCF-style: chr16-2136285-AG-A.
Other names: c.4555del, p.Asp1519fs (NM_001077183.3); c.4687del, p.Asp1563fs (NM_001114382.3); c.4447del, p.Asp1483fs (NM_001318827.2); c.4411del, p.Asp1471fs (NM_001318829.2); c.4024del, p.Asp1342fs (NM_001318831.2); c.4588del, p.Asp1530fs (NM_001318832.2); c.4558del, p.Asp1520fs (NM_001363528.2); c.4624del, p.Asp1542fs (NM_001370404.1); and 1 more; short protein forms D1342fs, D1471fs, D1483fs, D1519fs, D1520fs, D1530fs, D1542fs, D1543fs.
Identifiers: ClinVar variation 1072481 (VCV001072481.7), dbSNP rs2151573209, ClinGen allele CA2499223344.
Genomic context (GRCh38, chr16:2,086,284, plus strand): 5'-AGCATGGCTCCTACAGGTACACGGAGTTCCTGACGGGCCTGGGCCGGCTCATCGAGCTGA[AG>A]GACTGCCAGCCGGACAAGGTGTACCTGGGAGGCCTGGACGTGTGTGGTGAGGACGGCCAG-3'